The following is an entry in ClinVar:

ClinVar aggregate classification (germline): Likely benign (1 of 4 stars; one submission).

Allele frequency attached by ClinVar (database versions not stated): gnomAD exomes 0.00066; 1000 Genomes Project 0.00399; 1000 Genomes Project 30x 0.00468; gnomAD 0.00560; TOPMed 0.00608.
gnomAD v4.1: 1,112 of 528,798 alleles (0.21%); highest among the groups gnomAD compares: African/African-American, 1.9%; 8 homozygotes.

Submission:

GeneDx
Classification: Likely benign. Last evaluated: 2021-11-01. Review status: criteria provided, single submitter. Criteria: GeneDx Variant Classification Process June 2021. Collection method: clinical testing. Allele origin: germline. Affected: yes.
Comment: See Variant Classification Assertion Criteria.

NM_145064.3(STAC3):c.-1-201G>C

Gene: STAC3 (SH3 and cysteine rich domain 3; minus strand). Cytogenetic location: 12q13.3.
Variant type: single nucleotide variant.
Coding change: c.-1-201G>C on transcript NM_145064.3 (MANE Select); 201 bases into the intron before 1 bases upstream of the start codon, G replaced by C.
Molecular consequence: intron variant.
Genome position (GRCh38, 1-based): chr12:57,249,838, C>G on the plus strand (G>C on the coding strand, the complement: STAC3 is on the minus strand). VCF-style: chr12-57249838-C-G. GRCh37 (hg19) VCF-style: chr12-57643621-C-G.
Other names: c.-127+1155G>C (NM_001286257.2); c.-51-530G>C (NM_001286256.2).
Identifiers: ClinVar variation 1706922 (VCV001706922.2), dbSNP rs146782594, ClinGen allele CA237761566.